The following is an entry in ClinVar:

NM_001197104.2(KMT2A):c.8936T>C (p.Leu2979Pro)

Gene: KMT2A (lysine methyltransferase 2A; plus strand). Cytogenetic location: 11q23.3.
Variant type: single nucleotide variant.
Coding change: c.8936T>C on transcript NM_001197104.2 (MANE Select); coding-DNA position 8936, T replaced by C.
Protein change: p.Leu2979Pro; replaces leucine 2979 with proline.
Molecular consequence: missense variant.
Genome position (GRCh38, 1-based): chr11:118,504,828, T>C. VCF-style: chr11-118504828-T-C. GRCh37 (hg19) VCF-style: chr11-118375543-T-C.
Other names: c.9026T>C, p.Leu3009Pro (NM_001412597.1); c.8927T>C, p.Leu2976Pro (NM_005933.4); short protein forms L2976P, L2979P, L3009P.
Identifiers: ClinVar variation 2770847 (VCV002770847.3), dbSNP rs2497014030, ClinGen allele CA382817216.

ClinVar aggregate classification (germline): Uncertain significance (1 of 4 stars; one submission).

Allele frequency attached by ClinVar (database versions not stated): gnomAD exomes below 0.00001.
gnomAD v4.1: 1 of 1,614,156 alleles (0.000062%); highest among the groups gnomAD compares: Non-Finnish European, 0.000085%; no homozygotes.

Submission:

Labcorp Genetics (formerly Invitae), Labcorp
Classification: Uncertain significance. Last evaluated: 2023-11-01. Review status: criteria provided, single submitter. Criteria: Invitae Variant Classification Sherloc (09022015). Collection method: clinical testing. Allele origin: germline.
Comment: This sequence change replaces leucine, which is neutral and non-polar, with proline, which is neutral and non-polar, at codon 2979 of the KMT2A protein (p.Leu2979Pro). This variant is not present in population databases (gnomAD no frequency). This variant has not been reported in the literature in individuals affected with KMT2A-related conditions. Advanced modeling of protein sequence and biophysical properties (such as structural, functional, and spatial information, amino acid conservation, physicochemical variation, residue mobility, and thermodynamic stability) performed at Invitae indicates that this missense variant is not expected to disrupt KMT2A protein function with a negative predictive value of 95%. In summary, the available evidence is currently insufficient to determine the role of this variant in disease. Therefore, it has been classified as a Variant of Uncertain Significance.